The following is an entry in ClinVar:

NM_020911.2(PLXNA4):c.3919C>T (p.Leu1307=)

Gene: PLXNA4 (plexin A4; minus strand). Cytogenetic location: 7q32.3.
Variant type: single nucleotide variant.
Coding change: c.3919C>T on transcript NM_020911.2 (MANE Select); coding-DNA position 3919, C replaced by T.
Protein change: p.Leu1307=; no amino-acid change (leucine 1307 retained).
Molecular consequence: synonymous variant.
Genome position (GRCh38, 1-based): chr7:132,174,876, G>A on the plus strand (C>T on the coding strand, the complement: PLXNA4 is on the minus strand). VCF-style: chr7-132174876-G-A. GRCh37 (hg19) VCF-style: chr7-131859635-G-A.
Other names: c.3919C>T, p.Leu1307= (NM_001393897.1).
Identifiers: ClinVar variation 4987218 (VCV004987218.1).

ClinVar aggregate classification (germline): Likely benign (1 of 4 stars; one submission).

Conditions:
PLXNA4-related disorder. Also called: PLXNA4-related condition.

gnomAD v4.1: 44 of 1,614,198 alleles (0.0027%); highest among the groups gnomAD compares: South Asian, 0.046%; no homozygotes.

Submission:

PreventionGenetics, part of Exact Sciences
Classification: Likely benign for PLXNA4-related condition. Last evaluated: 2025-10-06. Review status: criteria provided, single submitter. Criteria: ACMG Guidelines, 2015. Collection method: clinical testing. Allele origin: germline.
Comment: This variant is classified as likely benign based on ACMG/AMP sequence variant interpretation guidelines (Richards et al. 2015 PMID: 25741868, with internal and published modifications).